The following is an entry in ClinVar:

NM_022834.5(VWA1):c.1121G>A (p.Gly374Glu)

Gene: VWA1 (von Willebrand factor A domain containing 1; plus strand). Cytogenetic location: 1p36.33.
Variant type: single nucleotide variant.
Coding change: c.1121G>A on transcript NM_022834.5 (MANE Select); coding-DNA position 1121, G replaced by A.
Protein change: p.Gly374Glu; replaces glycine 374 with glutamic acid.
Molecular consequence: missense variant. On other transcripts: 3 prime UTR variant (1).
Genome position (GRCh38, 1-based): chr1:1,439,570, G>A. VCF-style: chr1-1439570-G-A. GRCh37 (hg19) VCF-style: chr1-1374950-G-A.
Other names: c.*531G>A (NM_199121.3); c.1121G>A (NM_022834.4); short protein forms G374E.
Identifiers: ClinVar variation 3065720 (VCV003065720.3), dbSNP rs996629788, ClinGen allele CA16817012.

ClinVar aggregate classification (germline): Uncertain significance. Review status: criteria provided, multiple submitters, no conflicts (2 of 4 stars). 3 submissions from 3 submitters: Uncertain significance (3). Last evaluated 2025-03-10.

Conditions:
Neuronopathy, distal hereditary motor, autosomal recessive 7. Also called: NEUROPATHY, DISTAL HEREDITARY MOTOR, AUTOSOMAL RECESSIVE 7; NEUROPATHY, HEREDITARY MOTOR, WITH MYOPATHIC FEATURES. Identifiers: MedGen C5543119, MONDO:0030977, OMIM 619216.

Allele frequency attached by ClinVar (database versions not stated): gnomAD exomes 0.00001; gnomAD 0.00004; TOPMed 0.00011; 1000 Genomes Project 30x 0.00016.

Submissions (3):

Women's Health and Genetics/Laboratory Corporation of America, LabCorp
Classification: Uncertain significance. Last evaluated: 2025-03-10. Review status: criteria provided, single submitter. Criteria: LabCorp Variant Classification Summary - May 2015. Collection method: clinical testing. Allele origin: germline.
Comment: Variant summary: VWA1 c.1121G>A (p.Gly374Glu) results in a non-conservative amino acid change located in the Fibronectin type 3 domain (IPR003961) of the encoded protein sequence. Three of five in-silico tools predict a damaging effect of the variant on protein function. The variant allele was found at a frequency of 7.2e-05 in 13820 control chromosomes. The available data on variant occurrences in the general population are insufficient to allow any conclusion about variant significance. To our knowledge, no occurrence of c.1121G>A in individuals affected with Neuronopathy, distal hereditary motor, autosomal recessive 7 and no experimental evidence demonstrating its impact on protein function have been reported. ClinVar contains an entry for this variant (Variation ID: 3065720). Based on the evidence outlined above, the variant was classified as uncertain significance.

Ambry Genetics
Classification: Uncertain significance. Last evaluated: 2025-02-01. Review status: criteria provided, single submitter. Criteria: Ambry Variant Classification Scheme 2023. Collection method: clinical testing. Allele origin: germline.

Genomic Medicine Center of Excellence, King Faisal Specialist Hospital and Research Centre
Classification: Uncertain significance for Neuronopathy, distal hereditary motor, autosomal recessive 7. Last evaluated: 2024-03-29. Review status: criteria provided, single submitter. Criteria: ACMG Guidelines, 2015. Collection method: clinical testing. Allele origin: germline.